The following is an entry in ClinVar:

ClinVar aggregate classification (germline): Conflicting classifications of pathogenicity. Review status: criteria provided, conflicting classifications (1 of 4 stars). 3 submissions from 3 submitters: Uncertain significance (1); Likely benign (2). Last evaluated 2024-11-25.

Allele frequency attached by ClinVar (database versions not stated): gnomAD exomes 0.00006 and 0.00035; ESP Exome Variant Server 0.00008; gnomAD 0.00010 and 0.00011; TOPMed 0.00015; ExAC 0.00044.
gnomAD v4.1: 102 of 1,606,266 alleles (0.0064%); highest among the groups gnomAD compares: East Asian, 0.14%; 1 homozygote.

Submissions (3):

Blueprint Genetics
Classification: Likely benign. Last evaluated: 2024-11-25. Review status: criteria provided, single submitter. Criteria: ACMG Guidelines, 2015. Collection method: clinical testing. Allele origin: germline.

Women's Health and Genetics/Laboratory Corporation of America, LabCorp
Classification: Uncertain significance. Last evaluated: 2023-05-22. Review status: criteria provided, single submitter. Criteria: LabCorp Variant Classification Summary - May 2015. Collection method: clinical testing. Allele origin: germline.
Comment: Variant summary: NBEAL2 c.3387G>A (p.Ala1129Ala) alters a non-conserved nucleotide located close to a canonical splice site and therefore could affect mRNA splicing, leading to a significantly altered protein sequence. Several computational tools predict a significant impact on normal splicing: Two predict the variant creates a cryptic 5' donor site and one predicts the variant strengthens the same cryptic 5' donor site. However, these predictions have yet to be confirmed by functional studies. The variant allele was found at a frequency of 0.00035 in 264918 control chromosomes (gnomAD), predominantly at a frequency of 0.0043 within the East Asian subpopulation in the gnomAD database, including 1 homozygote. To our knowledge, no occurrence of c.3387G>A in individuals affected with Gray Platelet Syndrome and no experimental evidence demonstrating its impact on protein function have been reported. One ClinVar submitter has assessed the variant since 2014: the variant was classified as likely benign. Based on the evidence outlined above, the variant was classified as uncertain significance.

GeneDx
Classification: Likely benign. Last evaluated: 2019-09-27. Review status: criteria provided, single submitter. Criteria: GeneDx Variant Classification Process June 2021. Collection method: clinical testing. Allele origin: germline. Affected: yes.
Comment: In silico analysis, which includes splice predictors and evolutionary conservation, supports that this variant does not alter protein structure/function; Nucleotide substitution has no predicted effect on splicing and is not conserved across species; Has not been previously published as pathogenic or benign to our knowledge

NM_015175.3(NBEAL2):c.3387G>A (p.Ala1129=)

Gene: NBEAL2 (neurobeachin like 2; plus strand). Cytogenetic location: 3p21.31.
Variant type: single nucleotide variant.
Coding change: c.3387G>A on transcript NM_015175.3 (MANE Select); coding-DNA position 3387, G replaced by A.
Protein change: p.Ala1129=; no amino-acid change (alanine 1129 retained).
Molecular consequence: synonymous variant.
Genome position (GRCh38, 1-based): chr3:46,998,961, G>A. VCF-style: chr3-46998961-G-A. GRCh37 (hg19) VCF-style: chr3-47040451-G-A.
Other names: c.3285G>A, p.Ala1095= (NM_001365116.2).
Identifiers: ClinVar variation 451691 (VCV000451691.5), dbSNP rs371065166, ClinGen allele CA2360943.